The following is an entry in ClinVar:

NM_016122.3(CEP83):c.827G>C (p.Arg276Pro)

Gene: CEP83 (centrosomal protein 83; minus strand). Cytogenetic location: 12q22.
Variant type: single nucleotide variant.
Coding change: c.827G>C on transcript NM_016122.3 (MANE Select); coding-DNA position 827, G replaced by C.
Protein change: p.Arg276Pro; replaces arginine 276 with proline.
Molecular consequence: missense variant. On other transcripts: non-coding transcript variant (2).
Genome position (GRCh38, 1-based): chr12:94,375,992, C>G on the plus strand (G>C on the coding strand, the complement: CEP83 is on the minus strand). VCF-style: chr12-94375992-C-G. GRCh37 (hg19) VCF-style: chr12-94769768-C-G.
Other names: c.827G>C, p.Arg276Pro (NM_001346461.2, NM_001368037.1, NM_001368038.1 and 3 more transcripts); c.515G>C, p.Arg172Pro (NM_001346462.2, NM_001368039.1, NM_001368040.1 and 2 more transcripts); c.602G>C, p.Arg201Pro (NM_001368041.1); c.290G>C, p.Arg97Pro (NM_001368042.1); short protein forms R201P, R276P, R172P, R97P.
Identifiers: ClinVar variation 2704576 (VCV002704576.3), dbSNP rs772661302, ClinGen allele CA6721822.

ClinVar aggregate classification (germline): Uncertain significance (1 of 4 stars; one submission).

Conditions:
Nephronophthisis 18 (NPHP18). Identifiers: Orphanet 655, MedGen C3890591, MONDO:0014374, OMIM 615862.

gnomAD v4.1: 2 of 1,557,302 alleles (0.00013%); highest among the groups gnomAD compares: South Asian, 0.0025%; no homozygotes.

Submission:

Labcorp Genetics (formerly Invitae), Labcorp
Classification: Uncertain significance for Nephronophthisis 18. Last evaluated: 2023-12-21. Review status: criteria provided, single submitter. Criteria: Invitae Variant Classification Sherloc (09022015). Collection method: clinical testing. Allele origin: germline.
Comment: This sequence change replaces arginine, which is basic and polar, with proline, which is neutral and non-polar, at codon 276 of the CEP83 protein (p.Arg276Pro). This variant is present in population databases (rs772661302, gnomAD 0.004%). This variant has not been reported in the literature in individuals affected with CEP83-related conditions. Advanced modeling of protein sequence and biophysical properties (such as structural, functional, and spatial information, amino acid conservation, physicochemical variation, residue mobility, and thermodynamic stability) performed at Invitae indicates that this missense variant is not expected to disrupt CEP83 protein function with a negative predictive value of 80%. In summary, the available evidence is currently insufficient to determine the role of this variant in disease. Therefore, it has been classified as a Variant of Uncertain Significance.